The following is an entry in ClinVar:

NM_032383.5(HPS3):c.392_399delinsTGCT (p.Pro131fs)

Gene: HPS3 (HPS3 biogenesis of lysosomal organelles complex 2 subunit 1; plus strand). Cytogenetic location: 3q24.
Variant type: Indel.
Coding change: c.392_399delinsTGCT on transcript NM_032383.5 (MANE Select); coding-DNA positions 392 to 399, CGCTTTCG replaced by TGCT.
Protein change: p.Pro131fs; shifts the reading frame from proline 131.
Molecular consequence: frameshift variant. On other transcripts: intron variant (1).
Genome position (GRCh38, 1-based): chr3:149,140,178-149,140,185, CGCTTTCG replaced by TGCT. VCF-style: chr3-149140178-CGCTTTCG-TGCT. GRCh37 (hg19) VCF-style: chr3-148857965-CGCTTTCG-TGCT.
Other names: c.218-839_218-832delinsTGCT (NM_001308258.2); short protein forms P131fs.
Identifiers: ClinVar variation 5016430 (VCV005016430.1).

ClinVar aggregate classification (germline): Pathogenic (1 of 4 stars; one submission).

Conditions:
Hermansky-Pudlak syndrome 3 (HPS3). Identifiers: Orphanet 231512, Orphanet 79430, MedGen C3888001, MONDO:0013555, OMIM 614072.

Submission:

Myriad Genetics, Inc.
Classification: Pathogenic for Hermansky-Pudlak syndrome 3. Last evaluated: 2024-05-14. Review status: criteria provided, single submitter. Criteria: Myriad Autosomal Dominant, Autosomal Recessive and X-Linked Classification Criteria (2023). Collection method: clinical testing. Allele origin: unknown.
Comment: NM_032383.3(HPS3):c.392_399del8ins4(P131Lfs*13) is expected to be pathogenic in the context of Hermansky-Pudlak syndrome, HPS3-related. This variant is predicted to lead to an abnormal or absent protein product due to the creation of a premature termination codon in HPS3, a gene where loss-of-function variants are known to be pathogenic. Please note: this variant was assessed in the context of healthy population screening.